The following is an entry in ClinVar:

NM_025103.4(IFT74):c.-20+1G>T

Gene: IFT74 (intraflagellar transport 74; plus strand). Cytogenetic location: 9p21.2.
Variant type: single nucleotide variant.
Coding change: c.-20+1G>T on transcript NM_025103.4 (MANE Select); the canonical splice donor site of the intron after 20 bases upstream of the start codon, G replaced by T.
Molecular consequence: splice donor variant. On other transcripts: intron variant (2).
Genome position (GRCh38, 1-based): chr9:26,956,517, G>T. VCF-style: chr9-26956517-G-T. GRCh37 (hg19) VCF-style: chr9-26956515-G-T.
Other names: c.-19-5432G>T (NM_001099223.3, NM_001099222.3); c.-20+1G>T (NM_001349928.2, NM_001099224.3).
Identifiers: ClinVar variation 3776556 (VCV003776556.1).

ClinVar aggregate classification (germline): Uncertain significance (1 of 4 stars; one submission).

Submission:

GeneDx
Classification: Uncertain significance. Last evaluated: 2024-10-04. Review status: criteria provided, single submitter. Criteria: GeneDx Variant Classification Process June 2021. Collection method: clinical testing. Allele origin: germline. Affected: yes.
Comment: Has not been previously published as pathogenic or benign to our knowledge; No data available from ethnically-matched control populations to assess the frequency of this variant; In silico analysis is inconclusive as to whether the variant alters gene splicing. In the absence of RNA/functional studies, the actual effect of this sequence change is unknown.